The following is an entry in ClinVar:

NM_004168.4(SDHA):c.1305G>C (p.Leu435=)

Gene: SDHA (succinate dehydrogenase complex flavoprotein subunit A; plus strand). Cytogenetic location: 5p15.33.
Variant type: single nucleotide variant.
Coding change: c.1305G>C on transcript NM_004168.4 (MANE Select); coding-DNA position 1305, G replaced by C.
Protein change: p.Leu435=; no amino-acid change (leucine 435 retained).
Molecular consequence: synonymous variant.
Genome position (GRCh38, 1-based): chr5:236,472, G>C. VCF-style: chr5-236472-G-C. GRCh37 (hg19) VCF-style: chr5-236587-G-C.
Other names: c.1161G>C, p.Leu387= (NM_001294332.2); c.1305G>C, p.Leu435= (NM_001330758.2).
Identifiers: ClinVar variation 472320 (VCV000472320.14), dbSNP rs35964044, ClinGen allele CA442692084.

ClinVar aggregate classification (germline): Benign/Likely benign. Review status: criteria provided, multiple submitters, no conflicts (2 of 4 stars). 3 submissions from 3 submitters: Benign (1); Likely benign (2). Last evaluated 2025-03-10.

Conditions:
Mitochondrial complex II deficiency, nuclear type 1. Also called: SUCCINATE CoQ REDUCTASE DEFICIENCY. Identifiers: Orphanet 3208, MedGen C5700310, MONDO:0100294, OMIM 252011.
Pheochromocytoma/paraganglioma syndrome 5. Also called: Paragangliomas 5; SDHA-Related Hereditary Paraganglioma-Pheochromocytoma Syndrome. Identifiers: Orphanet 29072, MedGen C3279992, MONDO:0013602, OMIM 614165.
Hereditary cancer-predisposing syndrome. Also called: Neoplastic Syndromes, Hereditary; Hereditary Cancer Syndrome; Hereditary neoplastic syndrome; Tumor predisposition. Identifiers: Orphanet 140162, MedGen C0027672, MeSH D009386, MONDO:0015356.

gnomAD v4.1: 1 of 1,613,912 alleles (0.000062%); highest among the groups gnomAD compares: Non-Finnish European, 0.000085%; no homozygotes.

Submissions (3):

Myriad Genetics, Inc.
Classification: Benign for Pheochromocytoma/paraganglioma syndrome 5. Last evaluated: 2025-03-10. Review status: criteria provided, single submitter. Criteria: Myriad Autosomal Dominant, Autosomal Recessive and X-Linked Classification Criteria (2023). Collection method: clinical testing. Allele origin: unknown.
Comment: This variant is considered benign. This variant is a silent/synonymous amino acid change and it is not expected to impact splicing.

Labcorp Genetics (formerly Invitae), Labcorp
Classification: Likely benign for Pheochromocytoma/paraganglioma syndrome 5; Mitochondrial complex II deficiency, nuclear type 1. Last evaluated: 2023-05-11. Review status: criteria provided, single submitter. Criteria: Invitae Variant Classification Sherloc (09022015). Collection method: clinical testing. Allele origin: germline.

Ambry Genetics
Classification: Likely benign for Hereditary cancer-predisposing syndrome. Last evaluated: 2022-04-01. Review status: criteria provided, single submitter. Criteria: Ambry Variant Classification Scheme 2023. Collection method: clinical testing. Allele origin: germline.